The following is an entry in ClinVar:

ClinVar aggregate classification (germline): Uncertain significance (1 of 4 stars; one submission).

Conditions:
Progressive microcephaly-seizures-cortical blindness-developmental delay syndrome. Also called: Seizures, cortical blindness, and microcephaly syndrome. Identifiers: Orphanet 477814, MedGen C5567650, MONDO:0014714, OMIM 616632.
Autosomal dominant nonsyndromic hearing loss 1. Also called: KONIGSMARK SYNDROME; DEAFNESS, AUTOSOMAL DOMINANT 1, WITH OR WITHOUT THROMBOCYTOPENIA. Identifiers: Orphanet 90635, MedGen C1852282, MONDO:0007424, OMIM 124900.

Allele frequency attached by ClinVar (database versions not stated): gnomAD exomes below 0.00001.

Submission:

Labcorp Genetics (formerly Invitae), Labcorp
Classification: Uncertain significance for Progressive microcephaly-seizures-cortical blindness-developmental delay syndrome; Autosomal dominant nonsyndromic hearing loss 1. Last evaluated: 2025-07-10. Review status: criteria provided, single submitter. Criteria: Invitae Variant Classification Sherloc (09022015). Collection method: clinical testing. Allele origin: germline.
Comment: This sequence change replaces methionine, which is neutral and non-polar, with threonine, which is neutral and polar, at codon 146 of the DIAPH1 protein (p.Met146Thr). This variant is not present in population databases (gnomAD no frequency). This variant has not been reported in the literature in individuals affected with DIAPH1-related conditions. ClinVar contains an entry for this variant (Variation ID: 2948528). Experimental studies and prediction algorithms are not available or were not evaluated, and the functional significance of this variant is currently unknown. In summary, the available evidence is currently insufficient to determine the role of this variant in disease. Therefore, it has been classified as a Variant of Uncertain Significance.

NM_005219.5(DIAPH1):c.437T>C (p.Met146Thr)

Gene: DIAPH1 (diaphanous related formin 1; minus strand). Cytogenetic location: 5q31.3.
Variant type: single nucleotide variant.
Coding change: c.437T>C on transcript NM_005219.5 (MANE Select); coding-DNA position 437, T replaced by C.
Protein change: p.Met146Thr; replaces methionine 146 with threonine.
Molecular consequence: missense variant.
Genome position (GRCh38, 1-based): chr5:141,583,581, A>G on the plus strand (T>C on the coding strand, the complement: DIAPH1 is on the minus strand). VCF-style: chr5-141583581-A-G. GRCh37 (hg19) VCF-style: chr5-140963148-A-G.
Other names: c.410T>C, p.Met137Thr (NM_001079812.3); c.437T>C, p.Met146Thr (NM_001314007.2); short protein forms M137T, M146T.
Identifiers: ClinVar variation 2948528 (VCV002948528.3), dbSNP rs2513772298, ClinGen allele CA361542178.